The following is an entry in ClinVar:

NM_000136.3(FANCC):c.457-15G>T

Gene: FANCC (FA complementation group C; minus strand). Cytogenetic location: 9q22.32.
Variant type: single nucleotide variant.
Coding change: c.457-15G>T on transcript NM_000136.3 (MANE Select); 15 bases into the intron before coding-DNA position 457, G replaced by T.
Molecular consequence: intron variant.
Genome position (GRCh38, 1-based): chr9:95,171,158, C>A on the plus strand (G>T on the coding strand, the complement: FANCC is on the minus strand). VCF-style: chr9-95171158-C-A. GRCh37 (hg19) VCF-style: chr9-97933440-C-A.
Other names: c.457-15G>T (NM_001243743.2, NM_001243744.2).
Identifiers: ClinVar variation 388735 (VCV000388735.1), dbSNP rs1057523218, ClinGen allele CA16606598.

ClinVar aggregate classification (germline): Likely benign (1 of 4 stars; one submission).

gnomAD v4.1: 3 of 1,605,994 alleles (0.00019%); highest among the groups gnomAD compares: Non-Finnish European, 0.00026%; no homozygotes.

Submission:

GeneDx
Classification: Likely benign. Last evaluated: 2016-08-18. Review status: criteria provided, single submitter. Criteria: GeneDx Variant Classification (06012015). Collection method: clinical testing. Allele origin: germline. Affected: yes.
Comment: This variant is considered likely benign or benign based on one or more of the following criteria: it is a conservative change, it occurs at a poorly conserved position in the protein, it is predicted to be benign by multiple in silico algorithms, and/or has population frequency not consistent with disease.